The following is an entry in ClinVar:

ClinVar aggregate classification (germline): Likely benign. Review status: criteria provided, multiple submitters, no conflicts (2 of 4 stars). 4 submissions from 4 submitters: Likely benign (3). 1 of the submissions does not count toward it. Last evaluated 2024-10-24.

Conditions:
Leukodystrophy, hypomyelinating, 6. Also called: LEUKODYSTROPHY, HYPOMYELINATING, WITH ATROPHY OF THE BASAL GANGLIA AND CEREBELLUM; TUBB4A-Associated Leukodystrophy; Hypomyelination with Atrophy of Basal Ganglia and Cerebellum (H-ABC). Identifiers: Orphanet 139441, MedGen C2676244, MONDO:0012905, OMIM 612438.
TUBB4A-related disorder. Also called: TUBB4A-related condition.

Allele frequency attached by ClinVar (database versions not stated): gnomAD exomes 0.00004; TOPMed 0.00004; gnomAD 0.00005; ESP Exome Variant Server 0.00008; ExAC 0.00012; 1000 Genomes Project 30x 0.00016; 1000 Genomes Project 0.00020.

Submissions (4):

Labcorp Genetics (formerly Invitae), Labcorp
Classification: Likely benign for Leukodystrophy, hypomyelinating, 6. Last evaluated: 2024-10-24. Review status: criteria provided, single submitter. Criteria: Invitae Variant Classification Sherloc (09022015). Collection method: clinical testing. Allele origin: germline.

Blueprint Genetics
Classification: Likely benign. Last evaluated: 2024-03-16. Review status: criteria provided, single submitter. Criteria: ACMG Guidelines, 2015. Collection method: clinical testing. Allele origin: germline.

CeGaT Center for Human Genetics Tuebingen
Classification: Likely benign. Last evaluated: 2022-07-01. Review status: criteria provided, single submitter. Criteria: CeGaT Center For Human Genetics Tuebingen Variant Classification Criteria Version 2. Collection method: clinical testing. Allele origin: germline. Affected: yes. Observed: 1 variant allele.
Comment: TUBB4A: BP4, BP7

PreventionGenetics, part of Exact Sciences
Classification: Likely benign for TUBB4A-related condition. Last evaluated: 2023-09-13. Review status: no assertion criteria provided. Collection method: clinical testing. Allele origin: germline. Not counted in ClinVar's aggregate classification.
Comment: This variant is classified as likely benign based on ACMG/AMP sequence variant interpretation guidelines (Richards et al. 2015 PMID: 25741868, with internal and published modifications).

NM_006087.4(TUBB4A):c.504C>T (p.Ser168=)

Gene: TUBB4A (tubulin beta 4A class IVa; minus strand). Cytogenetic location: 19p13.3.
Variant type: single nucleotide variant.
Coding change: c.504C>T on transcript NM_006087.4 (MANE Select); coding-DNA position 504, C replaced by T.
Protein change: p.Ser168=; no amino-acid change (serine 168 retained).
Molecular consequence: synonymous variant.
Genome position (GRCh38, 1-based): chr19:6,495,995, G>A on the plus strand (C>T on the coding strand, the complement: TUBB4A is on the minus strand). VCF-style: chr19-6495995-G-A. GRCh37 (hg19) VCF-style: chr19-6496006-G-A.
Other names: c.657C>T, p.Ser219= (NM_001289123.2); c.639C>T, p.Ser213= (NM_001289127.2); c.504C>T, p.Ser168= (NM_001289129.2); c.288C>T, p.Ser96= (NM_001289130.2, NM_001289131.2); c.504C>T (NM_006087.3).
Identifiers: ClinVar variation 2649138 (VCV002649138.28), dbSNP rs143415955, ClinGen allele CA9127359.